The following is an entry in ClinVar:

ClinVar aggregate classification (germline): Likely pathogenic (1 of 4 stars; one submission).

Conditions:
Mucopolysaccharidosis, MPS-III-C (MPS3C). Also called: MPS IIIC (Sanfilippo Syndrome Type C); SANFILIPPO SYNDROME C; MPS III C; Mucopolysaccharidosis type IIIC (Sanfilippo C); MUCOPOLYSACCHARIDOSIS, TYPE IIIC; mucopolysaccharidosis type 3C. Identifiers: Orphanet 581, Orphanet 79271, MedGen C0086649, MONDO:0009657, OMIM 252930.

Submission:

Natera, Inc.
Classification: Likely pathogenic for Mucopolysaccharidosis type IIIC. Last evaluated: 2024-11-04. Review status: criteria provided, single submitter. Criteria: Natera Variant Classification Schema (03/2026). Collection method: clinical testing. Allele origin: germline.
Comment: The c.973G>T variant in HGSNAT is a nonsense variant predicted to introduce a stop codon at amino acid 325. This variant is expected to result in nonsense mediated decay, truncation, or a dysfunctional protein product. This variant is rare in the general population with a frequency below the threshold expected for the associated phenotype(s). Given the available evidence, this variant is classified as Likely Pathogenic.

NM_152419.3(HGSNAT):c.973G>T (p.Gly325Ter)

Gene: HGSNAT (heparan-alpha-glucosaminide N-acetyltransferase; plus strand). Cytogenetic location: 8p11.21.
Variant type: single nucleotide variant.
Coding change: c.973G>T on transcript NM_152419.3 (MANE Select); coding-DNA position 973, G replaced by T.
Protein change: p.Gly325Ter; replaces glycine 325 with a stop codon.
Molecular consequence: nonsense. On other transcripts: intron variant (1).
Genome position (GRCh38, 1-based): chr8:43,178,195, G>T. VCF-style: chr8-43178195-G-T. GRCh37 (hg19) VCF-style: chr8-43033338-G-T.
Other names: c.973G>T, p.Gly325Ter (NM_001363227.2); c.109G>T, p.Gly37Ter (NM_001363229.2); c.821-3950G>T (NM_001363228.2); short protein forms G325*, G37*.
Identifiers: ClinVar variation 4816876 (VCV004816876.1).